The following is an entry in ClinVar:

ClinVar aggregate classification (germline): Benign (0 of 4 stars; one submission).

Conditions:
AGMO-related disorder. Also called: AGMO-related condition.

Allele frequency attached by ClinVar (database versions not stated): 1000 Genomes Project 0.00180; ESP Exome Variant Server 0.00192; gnomAD 0.00200; 1000 Genomes Project 30x 0.00234; TOPMed 0.00234.
gnomAD v4.1: 720 of 1,612,550 alleles (0.045%); highest among the groups gnomAD compares: African/African-American, 0.78%; 2 homozygotes.

Submission:

PreventionGenetics, part of Exact Sciences
Classification: Benign for AGMO-related condition. Last evaluated: 2019-05-03. Review status: no assertion criteria provided. Collection method: clinical testing. Allele origin: germline.
Comment: This variant is classified as benign based on ACMG/AMP sequence variant interpretation guidelines (Richards et al. 2015 PMID: 25741868, with internal and published modifications).

NM_001004320.2(AGMO):c.1183C>G (p.Leu395Val)

Gene: AGMO (alkylglycerol monooxygenase; minus strand). Cytogenetic location: 7p21.2.
Variant type: single nucleotide variant.
Coding change: c.1183C>G on transcript NM_001004320.2 (MANE Select); coding-DNA position 1183, C replaced by G.
Protein change: p.Leu395Val; replaces leucine 395 with valine.
Molecular consequence: missense variant.
Genome position (GRCh38, 1-based): chr7:15,365,594, G>C on the plus strand (C>G on the coding strand, the complement: AGMO is on the minus strand). VCF-style: chr7-15365594-G-C. GRCh37 (hg19) VCF-style: chr7-15405219-G-C.
Other names: short protein forms L395V.
Identifiers: ClinVar variation 3038022 (VCV003038022.2), dbSNP rs80328842, ClinGen allele CA4168320.
Genomic context (GRCh38, chr7:15,365,594, plus strand): 5'-AAGGGACAAGAGGCTTCAGGTGACCAAATCGGTACAGCATTAAGAACATCAAGCAACGGA[G>C]AGTTTCCATAATAGCTGCCTTGGGTCTGAAATAAAATGTCATTAACATGCATTAGCTTTA-3'
Protein context (NP_001004320.1, residues 385-405): QRPKAAIMET[Leu395Val]RCLMFLMLYR